The following is an entry in ClinVar:

ClinVar aggregate classification (germline): Conflicting classifications of pathogenicity. Review status: criteria provided, conflicting classifications (1 of 4 stars). 2 submissions from 2 submitters: Uncertain significance (1); Likely benign (1). Last evaluated 2024-12-04.

Conditions:
Inborn genetic diseases. Identifiers: MedGen C0950123, MeSH D030342.

Allele frequency attached by ClinVar (database versions not stated): ExAC 0.00001; gnomAD 0.00002; TOPMed 0.00005.
gnomAD v4.1: 26 of 1,614,102 alleles (0.0016%); highest among the groups gnomAD compares: Admixed American, 0.033%; no homozygotes.

Submissions (2):

Ambry Genetics
Classification: Likely benign for Inborn genetic diseases. Last evaluated: 2024-12-04. Review status: criteria provided, single submitter. Criteria: Ambry Variant Classification Scheme 2023. Collection method: clinical testing. Allele origin: germline.

Labcorp Genetics (formerly Invitae), Labcorp
Classification: Uncertain significance. Last evaluated: 2024-10-23. Review status: criteria provided, single submitter. Criteria: Invitae Variant Classification Sherloc (09022015). Collection method: clinical testing. Allele origin: germline.
Comment: This sequence change replaces leucine, which is neutral and non-polar, with methionine, which is neutral and non-polar, at codon 457 of the DHCR24 protein (p.Leu457Met). This variant is present in population databases (rs748648802, gnomAD 0.04%). This variant has not been reported in the literature in individuals affected with DHCR24-related conditions. ClinVar contains an entry for this variant (Variation ID: 1980550). Invitae Evidence Modeling of protein sequence and biophysical properties (such as structural, functional, and spatial information, amino acid conservation, physicochemical variation, residue mobility, and thermodynamic stability) indicates that this missense variant is not expected to disrupt DHCR24 protein function with a negative predictive value of 80%. In summary, the available evidence is currently insufficient to determine the role of this variant in disease. Therefore, it has been classified as a Variant of Uncertain Significance.

Literature cited by the submitters: PubMed 36413997 (cited by Ambry Genetics).

NM_014762.4(DHCR24):c.1369C>A (p.Leu457Met)

Gene: DHCR24 (24-dehydrocholesterol reductase; minus strand). Cytogenetic location: 1p32.3.
Variant type: single nucleotide variant.
Coding change: c.1369C>A on transcript NM_014762.4 (MANE Select); coding-DNA position 1369, C replaced by A.
Protein change: p.Leu457Met; replaces leucine 457 with methionine.
Molecular consequence: missense variant.
Genome position (GRCh38, 1-based): chr1:54,853,462, G>T on the plus strand (C>A on the coding strand, the complement: DHCR24 is on the minus strand). VCF-style: chr1-54853462-G-T. GRCh37 (hg19) VCF-style: chr1-55319135-G-T.
Other names: short protein forms L457M.
Identifiers: ClinVar variation 1980550 (VCV001980550.5), dbSNP rs748648802, ClinGen allele CA870581.